The following is an entry in ClinVar:

NM_018662.3(DISC1):c.690A>G (p.Pro230=)

Genes: DISC1 (DISC1 scaffold protein; plus strand), TSNAX-DISC1 (TSNAX-DISC1 readthrough (NMD candidate); plus strand). Cytogenetic location: 1q42.2.
Variant type: single nucleotide variant.
Coding change: c.690A>G on transcript NM_018662.3 (MANE Select); coding-DNA position 690, A replaced by G.
Protein change: p.Pro230=; no amino-acid change (proline 230 retained).
Molecular consequence: synonymous variant. On other transcripts: non-coding transcript variant (8), intron variant (1).
Genome position (GRCh38, 1-based): chr1:231,694,448, A>G. VCF-style: chr1-231694448-A-G. GRCh37 (hg19) VCF-style: chr1-231830194-A-G.
Other names: c.690A>G, p.Pro230= (NM_001012957.2, NM_001012958.2, NM_001012959.2 and 18 more transcripts); c.68-55478A>G (NM_001164556.2).
Identifiers: ClinVar variation 3058709 (VCV003058709.2), dbSNP rs767632505, ClinGen allele CA1453657.

ClinVar aggregate classification (germline): Likely benign (0 of 4 stars; one submission).

Conditions:
DISC1-related disorder. Also called: DISC1-related condition.

Allele frequency attached by ClinVar (database versions not stated): TOPMed below 0.00001; ExAC 0.00001; gnomAD exomes 0.00003.
gnomAD v4.1: 16 of 1,614,258 alleles (0.00099%); highest among the groups gnomAD compares: Non-Finnish European, 0.0013%; no homozygotes.

Submission:

PreventionGenetics, part of Exact Sciences
Classification: Likely benign for DISC1-related condition. Last evaluated: 2019-04-11. Review status: no assertion criteria provided. Collection method: clinical testing. Allele origin: germline.
Comment: This variant is classified as likely benign based on ACMG/AMP sequence variant interpretation guidelines (Richards et al. 2015 PMID: 25741868, with internal and published modifications).